The following is an entry in ClinVar:

NM_001375524.1(TRRAP):c.4130A>G (p.Asn1377Ser)

Gene: TRRAP (transformation/transcription domain associated protein; plus strand). Cytogenetic location: 7q22.1.
Variant type: single nucleotide variant.
Coding change: c.4130A>G on transcript NM_001375524.1 (MANE Select); coding-DNA position 4130, A replaced by G.
Protein change: p.Asn1377Ser; replaces asparagine 1377 with serine.
Molecular consequence: missense variant.
Genome position (GRCh38, 1-based): chr7:98,937,174, A>G. VCF-style: chr7-98937174-A-G. GRCh37 (hg19) VCF-style: chr7-98534797-A-G.
Other names: c.4130A>G, p.Asn1377Ser (NM_001244580.2, NM_003496.4); short protein forms N1377S.
Identifiers: ClinVar variation 2437365 (VCV002437365.4), dbSNP rs782326376, ClinGen allele CA4360172.

ClinVar aggregate classification (germline): Uncertain significance. Review status: criteria provided, multiple submitters, no conflicts (2 of 4 stars). 2 submissions from 2 submitters: Uncertain significance (2). Last evaluated 2026-01-06.

Allele frequency attached by ClinVar (database versions not stated): gnomAD 0.00001; gnomAD exomes 0.00001; TOPMed 0.00001; ExAC 0.00002.
gnomAD v4.1: 18 of 1,610,854 alleles (0.0011%); highest among the groups gnomAD compares: Middle Eastern, 0.016%; no homozygotes.

Submissions (2):

Labcorp Genetics (formerly Invitae), Labcorp
Classification: Uncertain significance. Last evaluated: 2026-01-06. Review status: criteria provided, single submitter. Criteria: Invitae Variant Classification Sherloc (09022015). Collection method: clinical testing. Allele origin: germline.
Comment: This sequence change replaces asparagine, which is neutral and polar, with serine, which is neutral and polar, at codon 1377 of the TRRAP protein (p.Asn1377Ser). This variant is present in population databases (rs782326376, gnomAD 0.005%). This variant has not been reported in the literature in individuals affected with TRRAP-related conditions. ClinVar contains an entry for this variant (Variation ID: 2437365). Invitae Evidence Modeling of protein sequence and biophysical properties (such as structural, functional, and spatial information, amino acid conservation, physicochemical variation, residue mobility, and thermodynamic stability) indicates that this missense variant is not expected to disrupt TRRAP protein function with a negative predictive value of 80%. In summary, the available evidence is currently insufficient to determine the role of this variant in disease. Therefore, it has been classified as a Variant of Uncertain Significance.

Revvity Omics, Revvity
Classification: Uncertain significance. Last evaluated: 2021-12-15. Review status: criteria provided, single submitter. Criteria: ACMG Guidelines, 2015. Collection method: clinical testing. Allele origin: germline.